The following is an entry in ClinVar:

ClinVar aggregate classification (germline): Benign (1 of 4 stars; one submission).

Allele frequency attached by ClinVar (database versions not stated): 1000 Genomes Project 0.05711; 1000 Genomes Project 30x 0.05965; gnomAD 0.06915; TOPMed 0.07173.
gnomAD v4.1: 10,581 of 151,670 alleles (7%); highest among the groups gnomAD compares: African/African-American, 11%; 478 homozygotes.

Submission:

GeneDx
Classification: Benign. Last evaluated: 2018-06-14. Review status: criteria provided, single submitter. Criteria: GeneDx Variant Classification (06012015). Collection method: clinical testing. Allele origin: germline. Affected: yes.
Comment: This variant is considered likely benign or benign based on one or more of the following criteria: it is a conservative change, it occurs at a poorly conserved position in the protein, it is predicted to be benign by multiple in silico algorithms, and/or has population frequency not consistent with disease.

NM_003640.5(ELP1):c.1750+233C>G

Gene: ELP1 (elongator acetyltransferase complex subunit 1; minus strand). Cytogenetic location: 9q31.3.
Variant type: single nucleotide variant.
Coding change: c.1750+233C>G on transcript NM_003640.5 (MANE Select); 233 bases into the intron after coding-DNA position 1750, C replaced by G.
Molecular consequence: intron variant.
Genome position (GRCh38, 1-based): chr9:108,903,330, G>C on the plus strand (C>G on the coding strand, the complement: ELP1 is on the minus strand). VCF-style: chr9-108903330-G-C. GRCh37 (hg19) VCF-style: chr9-111665610-G-C.
Other names: c.1408+233C>G (NM_001318360.2); c.703+233C>G (NM_001330749.2).
Identifiers: ClinVar variation 672491 (VCV000672491.1), dbSNP rs147854908, ClinGen allele CA197538718.